The following is an entry in ClinVar:

ClinVar aggregate classification (germline): Pathogenic (1 of 4 stars; one submission).

Conditions:
Primary ciliary dyskinesia 3. Identifiers: Orphanet 244, MedGen C1837618, MONDO:0012085, OMIM 608644.

Submission:

Myriad Genetics, Inc.
Classification: Pathogenic for Primary ciliary dyskinesia 3. Last evaluated: 2023-12-06. Review status: criteria provided, single submitter. Criteria: Myriad Autosomal Dominant, Autosomal Recessive and X-Linked Classification Criteria (2023). Collection method: clinical testing. Allele origin: unknown.
Comment: NM_001369.2(DNAH5):c.5756_5757delAG(Q1919Lfs*6) is expected to be pathogenic in the context of primary ciliary dyskinesia, DNAH5-related. This variant is predicted to lead to an abnormal or absent protein product due to the creation of a premature termination codon in DNAH5, a gene where loss-of-function variants are known to be pathogenic. Please note: this variant was assessed in the context of healthy population screening.

NM_001369.3(DNAH5):c.5756_5757del (p.Gln1919fs)

Gene: DNAH5 (dynein axonemal heavy chain 5; minus strand). Cytogenetic location: 5p15.2.
Variant type: Deletion.
Coding change: c.5756_5757del on transcript NM_001369.3 (MANE Select); coding-DNA positions 5756 to 5757, 2 bases deleted (AG; older notation c.5756_5757delAG).
Protein change: p.Gln1919fs; shifts the reading frame from glutamine 1919.
Molecular consequence: frameshift variant.
Genome position (GRCh38, 1-based): chr5:13,839,481-13,839,482, CT deleted on the plus strand (AG on the coding strand, the reverse complement: DNAH5 is on the minus strand). VCF-style (leftmost placement, unchanged base first): chr5-13839480-ACT-A. GRCh37 (hg19) VCF-style: chr5-13839589-ACT-A.
Other names: short protein forms Q1919fs.
Identifiers: ClinVar variation 5012546 (VCV005012546.1).
Genomic context (GRCh38, chr5:13,839,480, plus strand): 5'-ACGCCACATCTGTGATGTGAATCATCATCTTGTCAGAATCTTCGTTAAAGTAAAATCTGC[ACT>A]GTTTCAGCCACTCAAAGTCCATGGGACTCTTGATATGCATATGACACTGAAATTCAAAAG-3'